The following is an entry in ClinVar:

NM_033004.4(NLRP1):c.1582A>G (p.Thr528Ala)

Gene: NLRP1 (NLR family pyrin domain containing 1; minus strand). Cytogenetic location: 17p13.2.
Variant type: single nucleotide variant.
Coding change: c.1582A>G on transcript NM_033004.4 (MANE Select); coding-DNA position 1582, A replaced by G.
Protein change: p.Thr528Ala; replaces threonine 528 with alanine.
Molecular consequence: missense variant.
Genome position (GRCh38, 1-based): chr17:5,559,114, T>C on the plus strand (A>G on the coding strand, the complement: NLRP1 is on the minus strand). VCF-style: chr17-5559114-T-C. GRCh37 (hg19) VCF-style: chr17-5462434-T-C.
Other names: c.1582A>G, p.Thr528Ala (NM_001033053.3, NM_014922.5, NM_033006.4 and 1 more transcripts); short protein forms T528A.
Identifiers: ClinVar variation 1363531 (VCV001363531.8), dbSNP rs2151802436, ClinGen allele CA397385257.

ClinVar aggregate classification (germline): Uncertain significance (1 of 4 stars; one submission).

gnomAD v4.1: 1 of 1,614,188 alleles (0.000062%); highest among the groups gnomAD compares: South Asian, 0.0011%; no homozygotes.

Submission:

Labcorp Genetics (formerly Invitae), Labcorp
Classification: Uncertain significance. Last evaluated: 2025-04-07. Review status: criteria provided, single submitter. Criteria: Invitae Variant Classification Sherloc (09022015). Collection method: clinical testing. Allele origin: germline.
Comment: This sequence change replaces threonine, which is neutral and polar, with alanine, which is neutral and non-polar, at codon 528 of the NLRP1 protein (p.Thr528Ala). This variant is not present in population databases (gnomAD no frequency). This variant has not been reported in the literature in individuals affected with NLRP1-related conditions. ClinVar contains an entry for this variant (Variation ID: 1363531). An algorithm developed to predict the effect of missense changes on protein structure and function (PolyPhen-2) suggests that this variant is likely to be tolerated. In summary, the available evidence is currently insufficient to determine the role of this variant in disease. Therefore, it has been classified as a Variant of Uncertain Significance.